The following is an entry in ClinVar:

NM_018249.6(CDK5RAP2):c.3859G>T (p.Ala1287Ser)

Gene: CDK5RAP2 (CDK5 regulatory subunit associated protein 2; minus strand). Cytogenetic location: 9q33.2.
Variant type: single nucleotide variant.
Coding change: c.3859G>T on transcript NM_018249.6 (MANE Select); coding-DNA position 3859, G replaced by T.
Protein change: p.Ala1287Ser; replaces alanine 1287 with serine.
Molecular consequence: missense variant. On other transcripts: non-coding transcript variant (5).
Genome position (GRCh38, 1-based): chr9:120,437,391, C>A on the plus strand (G>T on the coding strand, the complement: CDK5RAP2 is on the minus strand). VCF-style: chr9-120437391-C-A. GRCh37 (hg19) VCF-style: chr9-123199669-C-A.
Other names: c.3859G>T, p.Ala1287Ser (NM_001011649.3); c.3169G>T, p.Ala1057Ser (NM_001272039.2); short protein forms A1287S, A1057S.
Identifiers: ClinVar variation 158145 (VCV000158145.9), dbSNP rs587783386, ClinGen allele CA271211.

ClinVar aggregate classification (germline): Uncertain significance (0 of 4 stars; one submission).

Conditions:
Microcephaly 3, primary, autosomal recessive. Identifiers: Orphanet 2512, MedGen C1858108, MONDO:0011488, OMIM 604804.

Allele frequency attached by ClinVar (database versions not stated): TOPMed 0.00003; gnomAD 0.00003.
gnomAD v4.1: 49 of 1,613,974 alleles (0.003%); highest among the groups gnomAD compares: Non-Finnish European, 0.0036%; no homozygotes.

Submission:

Genetic Services Laboratory, University of Chicago
Classification: Uncertain significance for Microcephaly 3, primary, autosomal recessive. Last evaluated: 2021-12-27. Review status: no assertion criteria provided. Collection method: clinical testing. Allele origin: germline. Affected: yes.
Comment: DNA sequence analysis of the CDK5RAP2 gene demonstrated a sequence change, c.3859G>T, in exon 25 that results in an amino acid change, p.Ala1287Ser. This sequence change has been described in the gnomAD database with a frequency of 0.011% in the non-Finnish European subpopulation (dbSNP rs587783386). The p.Ala1287Ser change affects a highly conserved amino acid residue located in a domain of the CDK5RAP2 protein that is not known to be functional. In-silico pathogenicity prediction tools (SIFT, PolyPhen2, Align GVGD, REVEL) provide contradictory results for the p.Ala1287Ser substitution. This sequence change does not appear to have been previously described in individuals with CDK5RAP2-related disorders. Due to insufficient evidences and the lack of functional studies, the clinical significance of the p.Ala1287Ser change remains unknown at this time.